The following is an entry in ClinVar:

NM_001113491.2(SEPTIN9):c.*283C>T

Gene: SEPTIN9 (septin 9; plus strand). Cytogenetic location: 17q25.3.
Variant type: single nucleotide variant.
Coding change: c.*283C>T on transcript NM_001113491.2 (MANE Select); 283 bases downstream of the stop codon, C replaced by T.
Molecular consequence: 3 prime UTR variant.
Genome position (GRCh38, 1-based): chr17:77,498,941, C>T. VCF-style: chr17-77498941-C-T. GRCh37 (hg19) VCF-style: chr17-75495023-C-T.
Other names: c.*283C>T (NM_001113492.2, NM_001113493.2, NM_001113494.1 and 7 more transcripts).
Identifiers: ClinVar variation 325584 (VCV000325584.10), dbSNP rs9897357, ClinGen allele CA8793970.

ClinVar aggregate classification (germline): Benign. Review status: criteria provided, multiple submitters, no conflicts (2 of 4 stars). 4 submissions from 4 submitters: Benign (4). Last evaluated 2021-12-05.

Conditions:
Amyotrophic neuralgia (HNA). Also called: AMYOTROPHY, HEREDITARY NEURALGIC; Hereditary Brachial Plexus Neuropathy; Neuritis with Brachial Predilection; AMYOTROPHY, HEREDITARY NEURALGIC, WITH PREDILECTION FOR BRACHIAL PLEXUS. Identifiers: Orphanet 2901, MedGen C1834304, MONDO:0008076, OMIM 162100.

Allele frequency attached by ClinVar (database versions not stated): ExAC 0.01745; gnomAD 0.02822; 1000 Genomes Project 0.03015; 1000 Genomes Project 30x 0.03139; TOPMed 0.03201.
gnomAD v4.1: 10,879 of 558,214 alleles (1.9%); highest among the groups gnomAD compares: African/African-American, 7.4%; 249 homozygotes.

Submissions (4):

Genome-Nilou Lab
Classification: Benign for Amyotrophic neuralgia. Last evaluated: 2021-12-05. Review status: criteria provided, single submitter. Criteria: ACMG Guidelines, 2015. Collection method: clinical testing. Allele origin: germline. Affected: no.

GeneDx
Classification: Benign. Last evaluated: 2018-07-26. Review status: criteria provided, single submitter. Criteria: GeneDx Variant Classification Process June 2021. Collection method: clinical testing. Allele origin: germline. Affected: yes.

Illumina Laboratory Services, Illumina
Classification: Benign for Amyotrophy, hereditary neuralgic. Last evaluated: 2017-04-27. Review status: criteria provided, single submitter. Criteria: ICSL Variant Classification Criteria 13 December 2019. Collection method: clinical testing. Allele origin: germline.
Comment: This variant was observed as part of a predisposition screen in an ostensibly healthy population. A literature search was performed for the gene, cDNA change, and amino acid change (where applicable). No publications were found based on this search. Allele frequency data from public databases was too high to be consistent with this variant causing disease. Therefore, this variant is classified as benign.

Breakthrough Genomics
Classification: Benign. Review status: criteria provided, single submitter. Criteria: ACMG Guidelines, 2015. Collection method: not provided. Allele origin: germline. Inheritance: Autosomal dominant inheritance. Affected: yes.